The following is an entry in ClinVar:

NM_002317.7(LOX):c.1148G>A (p.Ser383Asn)

Genes: LOX (lysyl oxidase; minus strand), SRFBP1 (serum response factor binding protein 1; plus strand). Cytogenetic location: 5q23.1.
Variant type: single nucleotide variant.
Coding change: c.1148G>A on transcript NM_002317.7 (MANE Select); coding-DNA position 1148, G replaced by A.
Protein change: p.Ser383Asn; replaces serine 383 with asparagine.
Molecular consequence: missense variant.
Genome position (GRCh38, 1-based): chr5:122,070,152, C>T on the plus strand (G>A on the coding strand, the complement: LOX is on the minus strand). VCF-style: chr5-122070152-C-T. GRCh37 (hg19) VCF-style: chr5-121405847-C-T.
Other names: c.458G>A, p.Ser153Asn (NM_001178102.2); c.257G>A, p.Ser86Asn (NM_001317073.1); short protein forms S383N, S153N, S86N.
Identifiers: ClinVar variation 3656586 (VCV003656586.2).

ClinVar aggregate classification (germline): Uncertain significance (1 of 4 stars; one submission).

Submission:

Labcorp Genetics (formerly Invitae), Labcorp
Classification: Uncertain significance. Last evaluated: 2024-11-08. Review status: criteria provided, single submitter. Criteria: Invitae Variant Classification Sherloc (09022015). Collection method: clinical testing. Allele origin: germline.
Comment: This sequence change replaces serine, which is neutral and polar, with asparagine, which is neutral and polar, at codon 383 of the LOX protein (p.Ser383Asn). This variant is not present in population databases (gnomAD no frequency). This variant has not been reported in the literature in individuals affected with LOX-related conditions. Invitae Evidence Modeling of protein sequence and biophysical properties (such as structural, functional, and spatial information, amino acid conservation, physicochemical variation, residue mobility, and thermodynamic stability) indicates that this missense variant is not expected to disrupt LOX protein function with a negative predictive value of 95%. In summary, the available evidence is currently insufficient to determine the role of this variant in disease. Therefore, it has been classified as a Variant of Uncertain Significance.